The following is an entry in ClinVar:

ClinVar aggregate classification (germline): Conflicting classifications of pathogenicity. Review status: criteria provided, conflicting classifications (1 of 4 stars). 5 submissions from 5 submitters: Uncertain significance (4); Likely benign (1). Last evaluated 2025-02-06.

Conditions:
Cardiomyopathy (CMYO). Also called: Cardiomyopathies. Identifiers: Orphanet 167848, MedGen C0878544, MONDO:0004994, HP:0001638. Inheritance: Various modes of inheritance.
Arrhythmogenic right ventricular dysplasia 5. Also called: ARRHYTHMOGENIC RIGHT VENTRICULAR DYSPLASIA, FAMILIAL, 5; Arrhythmogenic Right Ventricular Dysplasia/Cardiomyopathy 5. Identifiers: MedGen C1858379, MONDO:0011459, OMIM 604400.
Cardiovascular phenotype. Identifiers: MedGen CN230736.

gnomAD v4.1: 19 of 1,614,090 alleles (0.0012%); highest among the groups gnomAD compares: Non-Finnish European, 0.0016%; no homozygotes.

Submissions (5):

Labcorp Genetics (formerly Invitae), Labcorp
Classification: Uncertain significance for Arrhythmogenic right ventricular dysplasia 5. Last evaluated: 2025-02-06. Review status: criteria provided, single submitter. Criteria: Invitae Variant Classification Sherloc (09022015). Collection method: clinical testing. Allele origin: germline.
Comment: This sequence change replaces leucine, which is neutral and non-polar, with phenylalanine, which is neutral and non-polar, at codon 384 of the TMEM43 protein (p.Leu384Phe). This variant is present in population databases (rs193922706, gnomAD 0.002%). This variant has not been reported in the literature in individuals affected with TMEM43-related conditions. ClinVar contains an entry for this variant (Variation ID: 919333). Invitae Evidence Modeling of protein sequence and biophysical properties (such as structural, functional, and spatial information, amino acid conservation, physicochemical variation, residue mobility, and thermodynamic stability) indicates that this missense variant is not expected to disrupt TMEM43 protein function with a negative predictive value of 80%. In summary, the available evidence is currently insufficient to determine the role of this variant in disease. Therefore, it has been classified as a Variant of Uncertain Significance.

All of Us Research Program, National Institutes of Health
Classification: Uncertain significance for Arrhythmogenic right ventricular dysplasia 5. Last evaluated: 2024-01-11. Review status: criteria provided, single submitter. Criteria: ACMG Guidelines, 2015. Collection method: clinical testing. Allele origin: germline. Inheritance: Autosomal dominant inheritance. Observed: 1 variant allele, 1 heterozygote.
Comment: Variant of Uncertain Significance due to insufficient evidence: This missense variant replaces leucine with phenylalanine at codon 384 of the TMEM43 protein. Computational prediction tools and conservation analyses are inconclusive regarding the impact of this variant on the protein function. Computational splicing tools suggest that this variant may not impact RNA splicing. To our knowledge, functional assays have not been performed for this variant nor has this variant been reported in individuals affected with cardiovascular disorders in the literature. This variant has been identified in 3/282786 chromosomes in the general population by the Genome Aggregation Database (gnomAD). Available evidence is insufficient to determine the role of this variant in disease conclusively.

This study involves interpretation of variants in research participants for the purpose of population health screening. Participant phenotype was not available at the time of variant classification. Additional details can be found in publication PMID: 35346344, PMCID: PMC8962531

Ambry Genetics
Classification: Likely benign for Cardiovascular phenotype. Last evaluated: 2023-12-29. Review status: criteria provided, single submitter. Criteria: Ambry Variant Classification Scheme 2023. Collection method: clinical testing. Allele origin: germline.

Women's Health and Genetics/Laboratory Corporation of America, LabCorp
Classification: Uncertain significance. Last evaluated: 2021-07-27. Review status: criteria provided, single submitter. Criteria: LabCorp Variant Classification Summary - May 2015. Collection method: clinical testing. Allele origin: germline.
Comment: Variant summary: TMEM43 c.1150C>T (p.Leu384Phe) results in a non-conservative amino acid change in the encoded protein sequence. Four of five in-silico tools predict a benign effect of the variant on protein function. The variant allele was found at a frequency of 8e-06 in 251382 control chromosomes. The available data on variant occurrences in the general population are insufficient to allow any conclusion about variant significance. To our knowledge, no occurrence of c.1150C>T in individuals affected with Arrhythmogenic Right Ventricular Dysplasia/Cardiomyopathy and no experimental evidence demonstrating its impact on protein function have been reported. One clinical diagnostic laboratory has submitted clinical-significance assessments for this variant to ClinVar after 2014 without evidence for independent evaluation and classified the variant as uncertain significance. Based on the evidence outlined above, the variant was classified as uncertain significance.

Color Diagnostics, LLC DBA Color Health
Classification: Uncertain significance for Cardiomyopathy. Last evaluated: 2019-04-01. Review status: criteria provided, single submitter. Criteria: ACMG Guidelines, 2015. Collection method: clinical testing. Allele origin: germline.
Comment: Variant of Uncertain Significance due to insufficient evidence: This missense variant replaces leucine with phenylalanine at codon 384 of the TMEM43 protein. Computational prediction tools and conservation analyses are inconclusive regarding the impact of this variant on the protein function. Computational splicing tools suggest that this variant may not impact RNA splicing. To our knowledge, functional assays have not been performed for this variant nor has this variant been reported in individuals affected with cardiovascular disorders in the literature. This variant has been identified in 3/282786 chromosomes in the general population by the Genome Aggregation Database (gnomAD). Available evidence is insufficient to determine the role of this variant in disease conclusively.

NM_024334.3(TMEM43):c.1150C>T (p.Leu384Phe)

Gene: TMEM43 (transmembrane protein 43; plus strand). Cytogenetic location: 3p25.1.
Variant type: single nucleotide variant.
Coding change: c.1150C>T on transcript NM_024334.3 (MANE Select); coding-DNA position 1150, C replaced by T.
Protein change: p.Leu384Phe; replaces leucine 384 with phenylalanine.
Molecular consequence: missense variant.
Genome position (GRCh38, 1-based): chr3:14,141,742, C>T. VCF-style: chr3-14141742-C-T. GRCh37 (hg19) VCF-style: chr3-14183242-C-T.
Other names: short protein forms L384F.
Identifiers: ClinVar variation 919333 (VCV000919333.9), dbSNP rs193922706, ClinGen allele CA051355.